The following is an entry in ClinVar:

ClinVar aggregate classification (germline): Likely pathogenic. Review status: no assertion criteria provided (0 of 4 stars). 5 submissions from 2 submitters: Likely pathogenic (5). Last evaluated 2016-09-19.

Conditions:
Achondrogenesis, type IB (ACG1B). Also called: Achondrogenesis Type 1B. Identifiers: Orphanet 932, Orphanet 93298, MedGen C0265274, MONDO:0010966, OMIM 600972.
Multiple epiphyseal dysplasia type 4 (EDM4). Also called: MULTIPLE EPIPHYSEAL DYSPLASIA, AUTOSOMAL RECESSIVE; MULTIPLE EPIPHYSEAL DYSPLASIA WITH BILAYERED PATELLAE; MULTIPLE EPIPHYSEAL DYSPLASIA WITH CLUBFOOT; Multiple Epiphyseal Dysplasia, Recessive; SLC26A2-Related Multiple Epiphyseal Dysplasia. Identifiers: Orphanet 93307, MedGen C1847593, MONDO:0009189, OMIM 226900.
Atelosteogenesis type II (AO2). Also called: NEONATAL OSSEOUS DYSPLASIA I; SLC26A2-Related Atelosteogenesis; Neonatal osseous dysplasia 1. Identifiers: Orphanet 56304, MedGen C1850554, MONDO:0009727, OMIM 256050.
Diastrophic dysplasia (DTD). Also called: Diastrophic dwarfism. Identifiers: Orphanet 628, MedGen C0220726, MONDO:0009107, OMIM 222600.

Submissions (5):

Counsyl
Classification: Likely pathogenic for Diastrophic dysplasia. Last evaluated: 2016-09-19. Review status: no assertion criteria provided. Collection method: clinical testing. Allele origin: unknown.

Counsyl
Classification: Likely pathogenic for Multiple epiphyseal dysplasia type 4. Last evaluated: 2016-09-19. Review status: no assertion criteria provided. Collection method: clinical testing. Allele origin: unknown.

Counsyl
Classification: Likely pathogenic for Atelosteogenesis type II. Last evaluated: 2016-09-19. Review status: no assertion criteria provided. Collection method: clinical testing. Allele origin: unknown.

Counsyl
Classification: Likely pathogenic for Achondrogenesis, type IB. Last evaluated: 2016-09-19. Review status: no assertion criteria provided. Collection method: clinical testing. Allele origin: unknown.

Juha Muilu Group; Institute for Molecular Medicine Finland (FIMM)
Classification: Likely pathogenic for Diastrophic dysplasia. Review status: no assertion criteria provided. Collection method: not provided. Allele origin: unknown.
Comment: FinDis database variant: This variant was not found or characterized by our laboratory, data were collected from public sources: see reference
ClinVar note: Converted during submission from probable-pathogenic to Likely pathogenic.

Literature cited by the submitters: PubMed 11241838 (cited by Counsyl).

NM_000112.4(SLC26A2):c.1976del (p.Phe658_Leu659insTer)

Gene: SLC26A2 (solute carrier family 26 member 2; plus strand). Cytogenetic location: 5q32.
Variant type: Deletion.
Coding change: c.1976del on transcript NM_000112.4 (MANE Select); coding-DNA position 1976, one base deleted (T; older notation c.1976delT).
Protein change: p.Phe658_Leu659insTer.
Molecular consequence: nonsense.
Genome position (GRCh38, 1-based): chr5:149,981,569, T deleted; the last of 5 consecutive T bases (chr5:149,981,565-149,981,569); deleting any one gives the same sequence. VCF-style (leftmost placement, unchanged base first): chr5-149981564-AT-A. GRCh37 (hg19) VCF-style: chr5-149361127-AT-A.
Other names: c.1976delT (NM_000112.3).
Identifiers: ClinVar variation 56018 (VCV000056018.4), dbSNP rs386833499, ClinGen allele CA263256.